The following is an entry in ClinVar:

NM_000372.5(TYR):c.1136G>T (p.Gly379Val)

Gene: TYR (tyrosinase; plus strand). Cytogenetic location: 11q14.3.
Variant type: single nucleotide variant.
Coding change: c.1136G>T on transcript NM_000372.5 (MANE Select); coding-DNA position 1136, G replaced by T.
Protein change: p.Gly379Val; replaces glycine 379 with valine.
Molecular consequence: missense variant.
Genome position (GRCh38, 1-based): chr11:89,227,922, G>T. VCF-style: chr11-89227922-G-T. GRCh37 (hg19) VCF-style: chr11-88961090-G-T.
Other names: short protein forms G379V.
Identifiers: ClinVar variation 1493663 (VCV001493663.7), dbSNP rs886044493, ClinGen allele CA382028781.
Genomic context (GRCh38, chr11:89,227,922, plus strand): 5'-AAAGCAGCATGCACAATGCCTTGCACATCTATATGAATGGAACAATGTCCCAGGTACAGG[G>T]ATCTGCCAACGATCCTATCTTCCTTCTTCACCATGCATTTGTTGACAGGTTGGTTAATAT-3'
Protein context (NP_000363.1, residues 369-389): YMNGTMSQVQ[Gly379Val]SANDPIFLLH

ClinVar aggregate classification (germline): Likely pathogenic. Review status: criteria provided, multiple submitters, no conflicts (2 of 4 stars). 2 submissions from 2 submitters: Likely pathogenic (2). Last evaluated 2023-09-12.

Conditions:
SKIN/HAIR/EYE PIGMENTATION 3, LIGHT/DARK SKIN (SHEP3). Also called: SKIN/HAIR/EYE PIGMENTATION, VARIATION IN, 3; EYE COLOR 1; EYE COLOR, GREEN/BLUE; SKIN/HAIR/EYE PIGMENTATION 3, BLUE/GREEN EYE COLOR; SKIN/HAIR/EYE PIGMENTATION 3, FRECKLING. Identifiers: MedGen C2677190, OMIM 601800.

Allele frequency attached by ClinVar (database versions not stated): gnomAD 0.00001.

Submissions (2):

Baylor Genetics
Classification: Likely pathogenic for SKIN/HAIR/EYE PIGMENTATION 3, LIGHT/DARK SKIN. Last evaluated: 2023-09-12. Review status: criteria provided, single submitter. Criteria: ACMG Guidelines, 2015. Collection method: clinical testing. Allele origin: unknown.

Labcorp Genetics (formerly Invitae), Labcorp
Classification: Likely pathogenic. Last evaluated: 2022-11-28. Review status: criteria provided, single submitter. Criteria: Invitae Variant Classification Sherloc (09022015). Collection method: clinical testing. Allele origin: germline.
Comment: This sequence change replaces glycine, which is neutral and non-polar, with valine, which is neutral and non-polar, at codon 379 of the TYR protein (p.Gly379Val). This variant is not present in population databases (gnomAD no frequency). This missense change has been observed in individual(s) with clinical features of oculocutaneous albinism (PMID: 26165494). In at least one individual the data is consistent with being in trans (on the opposite chromosome) from a pathogenic variant. ClinVar contains an entry for this variant (Variation ID: 1493663). Advanced modeling of protein sequence and biophysical properties (such as structural, functional, and spatial information, amino acid conservation, physicochemical variation, residue mobility, and thermodynamic stability) has been performed at Invitae for this missense variant, however the output from this modeling did not meet the statistical confidence thresholds required to predict the impact of this variant on TYR protein function. Algorithms developed to predict the effect of sequence changes on RNA splicing suggest that this variant may create or strengthen a splice site. In summary, the currently available evidence indicates that the variant is pathogenic, but additional data are needed to prove that conclusively. Therefore, this variant has been classified as Likely Pathogenic.

Literature cited by the submitters: PubMed 26165494 (cited by Labcorp Genetics (formerly Invitae), Labcorp).